The following is an entry in ClinVar:

ClinVar aggregate classification (germline): Likely benign. Review status: criteria provided, multiple submitters, no conflicts (2 of 4 stars). 4 submissions from 4 submitters: Likely benign (4). Last evaluated 2024-09-04.

Conditions:
Tuberous sclerosis syndrome (TSC). Also called: Tuberous sclerosis; Tuberous Sclerosis Complex. Identifiers: Orphanet 805, MedGen C0041341, MONDO:0001734.
Hereditary cancer-predisposing syndrome. Also called: Tumor predisposition; Hereditary Cancer Syndrome; Neoplastic Syndromes, Hereditary; Hereditary neoplastic syndrome. Identifiers: Orphanet 140162, MedGen C0027672, MeSH D009386, MONDO:0015356.
Tuberous sclerosis 2 (TSC2). Identifiers: Orphanet 805, MedGen C1860707, MONDO:0013199, OMIM 613254.

gnomAD v4.1: 1 of 1,613,744 alleles (0.000062%); highest among the groups gnomAD compares: Non-Finnish European, 0.000085%; no homozygotes.

Submissions (4):

Labcorp Genetics (formerly Invitae), Labcorp
Classification: Likely benign for Tuberous sclerosis 2. Last evaluated: 2024-09-04. Review status: criteria provided, single submitter. Criteria: Invitae Variant Classification Sherloc (09022015). Collection method: clinical testing. Allele origin: germline.

All of Us Research Program, National Institutes of Health
Classification: Likely benign for Tuberous sclerosis syndrome. Last evaluated: 2024-02-05. Review status: criteria provided, single submitter. Criteria: ACMG Guidelines, 2015. Collection method: clinical testing. Allele origin: germline. Inheritance: Autosomal dominant inheritance. Observed: 1 variant allele, 1 heterozygote.
Comment: This study involves interpretation of variants in research participants for the purpose of population health screening. Participant phenotype was not available at the time of variant classification. Additional details can be found in publication PMID: 35346344, PMCID: PMC8962531

Color Diagnostics, LLC DBA Color Health
Classification: Likely benign for Tuberous sclerosis syndrome. Last evaluated: 2022-09-20. Review status: criteria provided, single submitter. Criteria: ACMG Guidelines, 2015. Collection method: clinical testing. Allele origin: germline.

Ambry Genetics
Classification: Likely benign for Hereditary cancer-predisposing syndrome. Last evaluated: 2021-12-13. Review status: criteria provided, single submitter. Criteria: Ambry Variant Classification Scheme 2023. Collection method: clinical testing. Allele origin: germline.

NM_000548.5(TSC2):c.1569C>T (p.His523=)

Gene: TSC2 (TSC complex subunit 2; plus strand). Cytogenetic location: 16p13.3.
Variant type: single nucleotide variant.
Coding change: c.1569C>T on transcript NM_000548.5 (MANE Select); coding-DNA position 1569, C replaced by T.
Protein change: p.His523=; no amino-acid change (histidine 523 retained).
Molecular consequence: synonymous variant.
Genome position (GRCh38, 1-based): chr16:2,064,397, C>T. VCF-style: chr16-2064397-C-T. GRCh37 (hg19) VCF-style: chr16-2114398-C-T.
Other names: c.1569C>T, p.His523= (NM_001077183.3, NM_001114382.3, NM_021055.3 and 3 more transcripts); c.969C>T, p.His323= (NM_001318831.2); c.1602C>T, p.His534= (NM_001318832.2); c.1458C>T, p.His486= (NM_001318827.2); c.1422C>T, p.His474= (NM_001318829.2).
Identifiers: ClinVar variation 755664 (VCV000755664.12), dbSNP rs1420211177, ClinGen allele CA492963102.
Genomic context (GRCh38, chr16:2,064,397, plus strand): 5'-GGTCCGAAAGCTGGCCACCCAGTTGCTGGTGGACCTGGCAGAGGGCTGCCACACACACCA[C>T]TTCAACAGCCTGCTGGACATCATCGAGAAGGTGAGAGCCGTTGTACCCGGGGCCGGGTGC-3'
Protein context (NP_000539.2, residues 513-533): VDLAEGCHTH[His523=]FNSLLDIIEK